The following is an entry in ClinVar:

ClinVar aggregate classification (germline): Uncertain significance. Review status: criteria provided, multiple submitters, no conflicts (2 of 4 stars). 2 submissions from 2 submitters: Uncertain significance (2). Last evaluated 2024-03-28.

Conditions:
Multiple endocrine neoplasia, type 1 (MEN1). Also called: MEN I; WERMER SYNDROME; Endocrine adenomatosis multiple; MEN 1; MEA I. Identifiers: Orphanet 652, MedGen C0025267, MeSH D018761, MONDO:0007540, OMIM 131100.
Hereditary cancer-predisposing syndrome. Also called: Neoplastic Syndromes, Hereditary; Hereditary Cancer Syndrome; Tumor predisposition; Hereditary neoplastic syndrome. Identifiers: Orphanet 140162, MedGen C0027672, MeSH D009386, MONDO:0015356.

Submissions (2):

Ambry Genetics
Classification: Uncertain significance for Hereditary cancer-predisposing syndrome. Last evaluated: 2024-03-28. Review status: criteria provided, single submitter. Criteria: Ambry Variant Classification Scheme 2023. Collection method: clinical testing. Allele origin: germline.
Comment: The p.R314G variant (also known as c.940C>G), located in coding exon 6 of the MEN1 gene, results from a C to G substitution at nucleotide position 940. The arginine at codon 314 is replaced by glycine, an amino acid with dissimilar properties. This amino acid position is not well conserved in available vertebrate species. In addition, the in silico prediction for this alteration is inconclusive. Based on the available evidence, the clinical significance of this alteration remains unclear.

Labcorp Genetics (formerly Invitae), Labcorp
Classification: Uncertain significance for Multiple endocrine neoplasia, type 1. Last evaluated: 2022-07-12. Review status: criteria provided, single submitter. Criteria: Invitae Variant Classification Sherloc (09022015). Collection method: clinical testing. Allele origin: germline.
Comment: In summary, the available evidence is currently insufficient to determine the role of this variant in disease. Therefore, it has been classified as a Variant of Uncertain Significance. Advanced modeling of protein sequence and biophysical properties (such as structural, functional, and spatial information, amino acid conservation, physicochemical variation, residue mobility, and thermodynamic stability) performed at Invitae indicates that this missense variant is not expected to disrupt MEN1 protein function. ClinVar contains an entry for this variant (Variation ID: 1463618). This variant has not been reported in the literature in individuals affected with MEN1-related conditions. This variant is not present in population databases (gnomAD no frequency). This sequence change replaces arginine, which is basic and polar, with glycine, which is neutral and non-polar, at codon 314 of the MEN1 protein (p.Arg314Gly).

NM_001370259.2(MEN1):c.940C>G (p.Arg314Gly)

Gene: MEN1 (menin 1; minus strand). Cytogenetic location: 11q13.1.
Variant type: single nucleotide variant.
Coding change: c.940C>G on transcript NM_001370259.2 (MANE Select); coding-DNA position 940, C replaced by G.
Protein change: p.Arg314Gly; replaces arginine 314 with glycine.
Molecular consequence: missense variant.
Genome position (GRCh38, 1-based): chr11:64,806,341, G>C on the plus strand (C>G on the coding strand, the complement: MEN1 is on the minus strand). VCF-style: chr11-64806341-G-C. GRCh37 (hg19) VCF-style: chr11-64573813-G-C.
Other names: c.940C>G (NM_130799.2); c.940C>G, p.Arg314Gly (NM_001370260.2, NM_001370261.2, NM_130799.3 and 1 more transcripts); c.835C>G, p.Arg279Gly (NM_001370262.2, NM_001370263.2); c.955C>G, p.Arg319Gly (NM_130800.3, NM_130801.3, NM_130802.3 and 3 more transcripts); short protein forms R279G, R314G, R319G.
Identifiers: ClinVar variation 1463618 (VCV001463618.9), dbSNP rs139936447, ClinGen allele CA381183405.
Genomic context (GRCh38, chr11:64,806,341, plus strand): 5'-CATTGCGGTTGCGACAGTGGTAGCCAGCCAGGTACATGTAGGGGTAGATGTGTTCATCCC[G>C]ATAGTAGGTCTTGGCTGAGGCAATGCCCTGGATGGAGGTGAGGCAGAGGATCCTCAGGGA-3'
Protein context (NP_001357188.2, residues 304-324): KGIASAKTYY[Arg314Gly]DEHIYPYMYL